The following is an entry in ClinVar:

ClinVar aggregate classification (germline): Uncertain significance (1 of 4 stars; one submission).

Conditions:
Autosomal recessive mendelian susceptibility to mycobacterial diseases due to complete RORgamma receptor deficiency. Also called: Immunodeficiency 42. Identifiers: Orphanet 477857, MedGen C5567647, MONDO:0014710, OMIM 616622.

Allele frequency attached by ClinVar (database versions not stated): gnomAD exomes below 0.00001.
gnomAD v4.1: 1 of 1,614,106 alleles (0.000062%); highest among the groups gnomAD compares: Admixed American, 0.0017%; no homozygotes.

Submission:

Labcorp Genetics (formerly Invitae), Labcorp
Classification: Uncertain significance for Autosomal recessive mendelian susceptibility to mycobacterial diseases due to complete RORgamma receptor deficiency. Last evaluated: 2023-08-10. Review status: criteria provided, single submitter. Criteria: Invitae Variant Classification Sherloc (09022015). Collection method: clinical testing. Allele origin: germline.
Comment: ClinVar contains an entry for this variant (Variation ID: 1366453). An algorithm developed to predict the effect of missense changes on protein structure and function (PolyPhen-2) suggests that this variant is likely to be tolerated. In summary, the available evidence is currently insufficient to determine the role of this variant in disease. Therefore, it has been classified as a Variant of Uncertain Significance. This variant has not been reported in the literature in individuals affected with RORC-related conditions. This variant is present in population databases (no rsID available, gnomAD 0.003%). This sequence change replaces asparagine, which is neutral and polar, with histidine, which is basic and polar, at codon 196 of the RORC protein (p.Asn196His).

NM_005060.4(RORC):c.586A>C (p.Asn196His)

Gene: RORC (RAR related orphan receptor C; minus strand). Cytogenetic location: 1q21.3.
Variant type: single nucleotide variant.
Coding change: c.586A>C on transcript NM_005060.4 (MANE Select); coding-DNA position 586, A replaced by C.
Protein change: p.Asn196His; replaces asparagine 196 with histidine.
Molecular consequence: missense variant.
Genome position (GRCh38, 1-based): chr1:151,815,138, T>G on the plus strand (A>C on the coding strand, the complement: RORC is on the minus strand). VCF-style: chr1-151815138-T-G. GRCh37 (hg19) VCF-style: chr1-151787614-T-G.
Other names: c.523A>C, p.Asn175His (NM_001001523.2); short protein forms N196H, N175H.
Identifiers: ClinVar variation 1366453 (VCV001366453.6), dbSNP rs1465721781, ClinGen allele CA342016542.